The following is an entry in ClinVar:

NM_006493.4(CLN5):c.969_972del (p.Leu323fs)

Gene: CLN5 (CLN5 lysosomal BMP synthase; plus strand). Cytogenetic location: 13q22.3.
Variant type: Deletion.
Coding change: c.969_972del on transcript NM_006493.4 (MANE Select); coding-DNA positions 969 to 972, 4 bases deleted (GTTT; older notation c.969_972delGTTT).
Protein change: p.Leu323fs; shifts the reading frame from leucine 323.
Molecular consequence: frameshift variant. On other transcripts: 3 prime UTR variant (1).
Genome position (GRCh38, 1-based): chr13:77,000,861-77,000,864, GTTT deleted; deleting any 4 consecutive bases within chr13:77,000,858-77,000,864 gives the same sequence; the c. name uses the placement nearest the transcript's 3' end. VCF-style (leftmost placement, unchanged base first): chr13-77000857-ATTTG-A. GRCh37 (hg19) VCF-style: chr13-77574992-ATTTG-A.
Other names: c.1116_1119del (NM_006493.2); c.*418_*421del (NM_001366624.2); short protein forms L323fs.
Identifiers: ClinVar variation 2680837 (VCV002680837.2), dbSNP rs1304421147, ClinGen allele CA701027535.

ClinVar aggregate classification (germline): Likely pathogenic. Review status: criteria provided, multiple submitters, no conflicts (2 of 4 stars). 2 submissions from 2 submitters: Likely pathogenic (2). Last evaluated 2024-07-09.

Conditions:
Neuronal ceroid lipofuscinosis. Also called: Neuronal Ceroid Lipofuscinoses. Identifiers: Orphanet 216, Orphanet 79263, MedGen C0027877, MONDO:0016295. Disease mechanism: loss of function.
Neuronal ceroid lipofuscinosis 5 (CLN5). Also called: CLN5-Related Neuronal Ceroid-Lipofuscinosis; CEROID LIPOFUSCINOSIS, NEURONAL, 5, VARIABLE AGE AT ONSET; Neuronal ceroid lipofuscinosis Finnish variant; NEURONAL CEROID LIPOFUSCINOSIS, LATE INFANTILE, FINNISH VARIANT. Identifiers: Orphanet 168491, Orphanet 228360, MedGen C1850442, MONDO:0009745, OMIM 256731.

Submissions (2):

Natera, Inc.
Classification: Likely pathogenic for Neuronal ceroid lipofuscinosis. Last evaluated: 2024-07-09. Review status: criteria provided, single submitter. Criteria: Natera Variant Classification Schema (03/2026). Collection method: clinical testing. Allele origin: germline.
Comment: The c.1116_1119del variant in CLN5 is a frameshift variant predicted to shift the reading frame beginning at codon 372 and leads to a stop codon 11 codons downstream. This variant is expected to result in nonsense mediated decay, truncation, or a dysfunctional protein product. This variant is rare in the general population with a frequency below the threshold expected for the associated phenotype(s). Given the available evidence, this variant is classified as Likely Pathogenic.

Baylor Genetics
Classification: Likely pathogenic for Neuronal ceroid lipofuscinosis 5. Last evaluated: 2023-06-05. Review status: criteria provided, single submitter. Criteria: ACMG Guidelines, 2015. Collection method: clinical testing. Allele origin: unknown.